The following is an entry in ClinVar:

NM_004960.4(FUS):c.1496dup (p.Gly500fs)

Gene: FUS (FUS RNA binding protein; plus strand). Cytogenetic location: 16p11.2.
Variant type: Duplication.
Coding change: c.1496dup on transcript NM_004960.4 (MANE Select); coding-DNA position 1496, one base duplicated (G; older notation c.1496dupG).
Protein change: p.Gly500fs; shifts the reading frame from glycine 500.
Molecular consequence: frameshift variant. On other transcripts: non-coding transcript variant (1).
Genome position (GRCh38, 1-based): chr16:31,191,065, G duplicated; the last of 4 consecutive G bases (chr16:31,191,062-31,191,065); duplicating any one gives the same sequence. VCF-style (leftmost placement, unchanged base first): chr16-31191061-C-CG. GRCh37 (hg19) VCF-style: chr16-31202382-C-CG.
Other names: c.1493dup, p.Gly499fs (NM_001170634.1); c.1484dup, p.Gly496fs (NM_001170937.1); short protein forms G496fs, G500fs, G499fs.
Identifiers: ClinVar variation 3781327 (VCV003781327.1).
Genomic context (GRCh38, chr16:31,191,061, plus strand): 5'-GGCTATGATCGAGGCGGCTACCGGGGCCGCGGCGGGGACCGTGGAGGCTTCCGAGGGGGC[C>CG]GGGGTGGTGGGGACAGAGGTGGCTTTGGCCCTGGCAAGATGGATTCCAGGTAAGACTTTA-3'

ClinVar aggregate classification (germline): Likely pathogenic (1 of 4 stars; one submission).

Conditions:
Amyotrophic lateral sclerosis type 6. Also called: FUS-Related Amyotrophic Laterial Sclerosis; AMYOTROPHIC LATERAL SCLEROSIS 6 WITHOUT FRONTOTEMPORAL DEMENTIA; Amyotrophic lateral sclerosis 6, with or without frontotemporal dementia. Identifiers: Orphanet 275872, Orphanet 803, MedGen C2931786, MONDO:0011951, OMIM 608030.

Submission:

Clinical Omics and Informatics (COIN) Unit, Neuroscience Institute, University Of Cape Town
Classification: Likely pathogenic for Amyotrophic lateral sclerosis type 6. Last evaluated: 2025-04-17. Review status: criteria provided, single submitter. Criteria: ACMG Guidelines, 2015. Collection method: research. Allele origin: germline. Inheritance: Autosomal dominant inheritance. Affected: yes. Observed: 1 variant allele, 1 heterozygote.
Comment: Variant is absent from gnomAD v4 (coverage >20X confirmed) and the AGVD database. PM1_Met: The C-terminal region of FUS, including exon 14, is a known mutational hotspot and pathogenic truncating variants in this region are well-documented (PMID:26788680;20668261;28429524). PVS1_Strong: Frameshift variant, not predict to undergo NMD where the truncated/altered region is critical to protein function. Pathogenic FUS variants, particularly truncating mutations in the C-terminal region, are associated with ALS due to disrupted nuclear export and RNA-binding functions (PMID:32404191;20660363;20232451).

Literature cited by the submitters: PubMed 26788680; PubMed 20668261; PubMed 28429524.